The following is an entry in ClinVar:

NM_005199.5(CHRNG):c.257G>A (p.Arg86His)

Gene: CHRNG (cholinergic receptor nicotinic gamma subunit; plus strand). Cytogenetic location: 2q37.1.
Variant type: single nucleotide variant.
Coding change: c.257G>A on transcript NM_005199.5 (MANE Select); coding-DNA position 257, G replaced by A.
Protein change: p.Arg86His; replaces arginine 86 with histidine.
Molecular consequence: missense variant.
Genome position (GRCh38, 1-based): chr2:232,540,618, G>A. VCF-style: chr2-232540618-G-A. GRCh37 (hg19) VCF-style: chr2-233405328-G-A.
Other names: short protein forms R86H.
Identifiers: ClinVar variation 2458845 (VCV002458845.4), dbSNP rs550521607, ClinGen allele CA2168588.

ClinVar aggregate classification (germline): Conflicting classifications of pathogenicity. Review status: criteria provided, conflicting classifications (1 of 4 stars). 3 submissions from 3 submitters: Likely pathogenic (2); Uncertain significance (1). Last evaluated 2025-01-14.

Conditions:
Inborn genetic diseases. Identifiers: MedGen C0950123, MeSH D030342.
Autosomal recessive multiple pterygium syndrome. Also called: MULTIPLE PTERYGIUM SYNDROME, ESCOBAR VARIANT; PTERYGIUM COLLI SYNDROME; PTERYGIUM SYNDROME; PTERYGIUM UNIVERSALE. Identifiers: Orphanet 2990, MedGen C0265261, MONDO:0009926, OMIM 265000.
Lethal multiple pterygium syndrome (LMPS). Identifiers: Orphanet 33108, MedGen C1854678, MONDO:0009668, OMIM 253290.

Allele frequency attached by ClinVar (database versions not stated): gnomAD 0.00001; TOPMed 0.00002; 1000 Genomes Project 30x 0.00016; 1000 Genomes Project 0.00020.
gnomAD v4.1: 35 of 1,612,246 alleles (0.0022%); highest among the groups gnomAD compares: Admixed American, 0.0067%; no homozygotes.

Submissions (3):

First Genomix Gene Laboratory, Genetic Diagnostics Department
Classification: Likely pathogenic for Autosomal recessive multiple pterygium syndrome; Lethal multiple pterygium syndrome. Last evaluated: 2025-01-14. Review status: criteria provided, single submitter. Criteria: ACMG Guidelines, 2015. Collection method: clinical testing. Allele origin: germline. Inheritance: Autosomal recessive inheritance. Affected: no. Observed: 1 variant allele.

Ambry Genetics
Classification: Uncertain significance for Inborn genetic diseases. Last evaluated: 2023-03-14. Review status: criteria provided, single submitter. Criteria: Ambry Variant Classification Scheme 2023. Collection method: clinical testing. Allele origin: germline.

HUSP Clinical Genetics Laboratory, Hospital Universitario San Pedro De Logroño (HUSP)
Classification: Likely pathogenic for Autosomal recessive multiple pterygium syndrome. Review status: criteria provided, single submitter. Criteria: ACMG Guidelines, 2015. Collection method: clinical testing. Allele origin: paternal. Inheritance: Autosomal recessive inheritance. Affected: yes. Observed: 2 variant alleles.
Comment: The c.257G>A variant in the exon 4 of CHRNG (NM_005199.5) results in a change of the predicted protein (p.Arg86His). Allelic frequency of this variant is very low (<0.02%) and has not been previously reported in pathogenicity data bases (Clinvar, HGMD). In silico tools predict that this variant affects the function of the protein and label it as pathogenic. Pathogenic variants in CHRNG gen have been associated with Escobar syndrome (OMIM:265000) with autosomal recessive inheritance.